The following is an entry in ClinVar:

ClinVar aggregate classification (germline): Uncertain significance (1 of 4 stars; one submission).

Allele frequency attached by ClinVar (database versions not stated): ExAC 0.00001; gnomAD 0.00001; gnomAD exomes 0.00001; TOPMed 0.00001; 1000 Genomes Project 30x 0.00016; 1000 Genomes Project 0.00020.
gnomAD v4.1: 7 of 1,614,208 alleles (0.00043%); highest among the groups gnomAD compares: East Asian, 0.0022%; no homozygotes.

Submission:

Labcorp Genetics (formerly Invitae), Labcorp
Classification: Uncertain significance. Last evaluated: 2021-05-03. Review status: criteria provided, single submitter. Criteria: Invitae Variant Classification Sherloc (09022015). Collection method: clinical testing. Allele origin: germline.
Comment: In summary, the available evidence is currently insufficient to determine the role of this variant in disease. Therefore, it has been classified as a Variant of Uncertain Significance. Advanced modeling of protein sequence and biophysical properties (such as structural, functional, and spatial information, amino acid conservation, physicochemical variation, residue mobility, and thermodynamic stability) performed at Invitae indicates that this missense variant is not expected to disrupt ROR2 protein function. This variant has not been reported in the literature in individuals with ROR2-related conditions. This variant is present in population databases (rs541919750, ExAC 0.009%). This sequence change replaces serine with leucine at codon 652 of the ROR2 protein (p.Ser652Leu). The serine residue is moderately conserved and there is a large physicochemical difference between serine and leucine.

NM_004560.4(ROR2):c.1955C>T (p.Ser652Leu)

Gene: ROR2 (receptor tyrosine kinase like orphan receptor 2; minus strand). Cytogenetic location: 9q22.31.
Variant type: single nucleotide variant.
Coding change: c.1955C>T on transcript NM_004560.4 (MANE Select); coding-DNA position 1955, C replaced by T.
Protein change: p.Ser652Leu; replaces serine 652 with leucine.
Molecular consequence: missense variant.
Genome position (GRCh38, 1-based): chr9:91,724,539, G>A on the plus strand (C>T on the coding strand, the complement: ROR2 is on the minus strand). VCF-style: chr9-91724539-G-A. GRCh37 (hg19) VCF-style: chr9-94486821-G-A.
Other names: short protein forms S652L.
Identifiers: ClinVar variation 1475630 (VCV001475630.8), dbSNP rs541919750, ClinGen allele CA5120523.
Genomic context (GRCh38, chr9:91,724,539, plus strand): 5'-TCGATGGAGAACTTGCCGTACATGATGGCCTCTGGGGCCATCCAGCGGATAGGCAGCAGC[G>A]AGTTCCCCAGCAGCTTGTAGTAATCGGCGGCATACACCTCTCGGAAGAGGCCCAAGTCTG-3'
Protein context (NP_004551.2, residues 642-662): AADYYKLLGN[Ser652Leu]LLPIRWMAPE